The following is an entry in ClinVar:

ClinVar aggregate classification (germline): Pathogenic (1 of 4 stars; one submission).

Conditions:
Hereditary hemorrhagic telangiectasia (HHT). Also called: Osler hemorrhagic telangiectasia syndrome; ORW DISEASE; Osler Weber Rendu syndrome; OSLER-RENDU-WEBER DISEASE. Identifiers: Orphanet 774, MedGen C0039445, MONDO:0019180. Disease mechanism: loss of function.

Submission:

Labcorp Genetics (formerly Invitae), Labcorp
Classification: Pathogenic for Hereditary hemorrhagic telangiectasia. Last evaluated: 2019-10-23. Review status: criteria provided, single submitter. Criteria: Invitae Variant Classification Sherloc (09022015). Collection method: clinical testing. Allele origin: germline.
Comment: For these reasons, this variant has been classified as Pathogenic. Loss-of-function variants in ENG are known to be pathogenic (PMID: 15879500, 20656886, 22385575). This variant has not been reported in the literature in individuals with ENG-related conditions. This variant is not present in population databases (ExAC no frequency). This sequence change creates a premature translational stop signal (p.Ser484Argfs*16) in the ENG gene. It is expected to result in an absent or disrupted protein product.

Literature cited by the submitters: PubMed 15879500; PubMed 20656886; PubMed 22385575.

NM_001114753.3(ENG):c.1450_1451del (p.Ser484fs)

Genes: ENG (endoglin; minus strand), LOC102723566 (uncharacterized LOC102723566; plus strand). Cytogenetic location: 9q34.11.
Variant type: Microsatellite.
Coding change: c.1450_1451del on transcript NM_001114753.3 (MANE Select); coding-DNA positions 1450 to 1451, 2 bases deleted (TC; older notation c.1450_1451delTC).
Protein change: p.Ser484fs; shifts the reading frame from serine 484.
Molecular consequence: frameshift variant. On other transcripts: non-coding transcript variant (1).
Genome position (GRCh38, 1-based): chr9:127,818,355-127,818,356, GA deleted on the plus strand (TC on the coding strand, the reverse complement: ENG is on the minus strand); deleting any 2 consecutive bases within chr9:127,818,355-127,818,358 gives the same sequence; the c. name uses the placement nearest the transcript's 3' end. VCF-style (leftmost placement, unchanged base first): chr9-127818354-GGA-G. GRCh37 (hg19) VCF-style: chr9-130580633-GGA-G.
Other names: c.1448_1449TC[1], p.Ser484Argfs (NM_000118.4); c.904_905del, p.Ser302fs (NM_001278138.2); short protein forms S484fs, S302fs.
Identifiers: ClinVar variation 956837 (VCV000956837.10), dbSNP rs1830385865, ClinGen allele CA1879986350.